The following is an entry in ClinVar:

NM_000368.5(TSC1):c.2497dup (p.Gln833fs)

Gene: TSC1 (TSC complex subunit 1; minus strand). Cytogenetic location: 9q34.13.
Variant type: Duplication.
Coding change: c.2497dup on transcript NM_000368.5 (MANE Select); coding-DNA position 2497, one base duplicated (C; older notation c.2497dupC).
Protein change: p.Gln833fs; shifts the reading frame from glutamine 833.
Molecular consequence: frameshift variant.
Genome position (GRCh38, 1-based): chr9:132,901,594, G duplicated on the plus strand (C on the coding strand, the reverse complement: TSC1 is on the minus strand); the first of 3 consecutive G bases (chr9:132,901,594-132,901,596); duplicating any one gives the same sequence. VCF-style (leftmost placement, unchanged base first): chr9-132901593-T-TG. GRCh37 (hg19) VCF-style: chr9-135776980-T-TG.
Other names: c.2134dup, p.Gln712fs (NM_001362177.2); c.2494dup, p.Gln832fs (NM_001162426.2); c.2344dup, p.Gln782fs (NM_001162427.2); short protein forms Q712fs, Q782fs, Q832fs, Q833fs.
Identifiers: ClinVar variation 1207024 (VCV001207024.3), dbSNP rs2131702709, ClinGen allele CA2499219700.
Genomic context (GRCh38, chr9:132,901,593, plus strand): 5'-AAGAATGTTAGCAAATGGTGTTTCAGCAGATTCAGGTCTGCCTCATTTCTTCTTACCTTT[T>TG]GGGAAACCTGACTGAGCAGCAGCTCAGTGTGACACACCTTGTTGTTGGCCTTCTTCAGTT-3'

ClinVar aggregate classification (germline): Pathogenic (1 of 4 stars; one submission).

Submission:

GeneDx
Classification: Pathogenic. Last evaluated: 2019-01-03. Review status: criteria provided, single submitter. Criteria: GeneDx Variant Classification Process June 2021. Collection method: clinical testing. Allele origin: germline. Affected: yes.
Comment: Frameshift variant predicted to result in protein truncation or nonsense mediated decay in a gene for which loss-of-function is a known mechanism of disease; Not observed in large population cohorts (Lek 2016); Has not been previously published as pathogenic or benign to our knowledge